The following is an entry in ClinVar:

ClinVar aggregate classification (germline): Pathogenic (1 of 4 stars; one submission).

Submission:

ISCA Site 6
Classification: Pathogenic. Last evaluated: 2011-08-12. Review status: criteria provided, single submitter. Criteria: Kaminsky et al. (Genet Med. 2011). Collection method: clinical testing. Allele origin: unknown. Affected: yes. Observed: 1 variant allele.
Comment: Copy number variation identified through the course of routine clinical cytogenomic testing in postnatal populations. Clinical assertions have been curated as described in Kaminsky et al. 2011.

GRCh38/hg38 15q11.1-13.1(chr15:19905469-28163751)x3

Genes: ATP10A (ATPase phospholipid transporting 10A (putative); minus strand), ATP10A-DT (ATP10A divergent transcript; plus strand), CYFIP1 (cytoplasmic FMR1 interacting protein 1; minus strand), FAM30B (family with sequence similarity 30 member B; plus strand), FAM30C (family with sequence similarity 30 member C) and 189 more. Cytogenetic location: 15q11.1-13.1.
Variant type: copy number gain.
Change: copy number 3 (three copies instead of two) of chr15:19,905,469-28,163,751 (8.26 Mb, GRCh38 coordinates, 1-based), cytogenetic band 15q11.1-13.1.
Identifiers: ClinVar variation 58539 (VCV000058539.2).